The following is an entry in ClinVar:

ClinVar aggregate classification (germline): Uncertain significance. Review status: criteria provided, multiple submitters, no conflicts (2 of 4 stars). 2 submissions from 2 submitters: Uncertain significance (2). Last evaluated 2025-03-31.

Conditions:
Megalencephaly-polymicrogyria-polydactyly-hydrocephalus syndrome 1 (MPPH1). Also called: MEGALENCEPHALY, MEGA CORPUS CALLOSUM, AND COMPLETE LACK OF MOTOR DEVELOPMENT; MEGALENCEPHALY, POLYMICROGYRIA, MEGA CORPUS CALLOSUM SYNDROME. Identifiers: Orphanet 83473, MedGen C4012727, MONDO:0011313, OMIM 603387.
Inborn genetic diseases. Identifiers: MedGen C0950123, MeSH D030342.

Allele frequency attached by ClinVar (database versions not stated): TOPMed below 0.00001.
gnomAD v4.1: 13 of 1,562,028 alleles (0.00083%); highest among the groups gnomAD compares: South Asian, 0.0023%; no homozygotes.

Submissions (2):

Ambry Genetics
Classification: Uncertain significance for Inborn genetic diseases. Last evaluated: 2025-03-31. Review status: criteria provided, single submitter. Criteria: Ambry Variant Classification Scheme 2023. Collection method: clinical testing. Allele origin: germline.

Baylor Genetics
Classification: Uncertain significance for Megalencephaly-polymicrogyria-polydactyly-hydrocephalus syndrome 1. Last evaluated: 2018-09-11. Review status: criteria provided, single submitter. Criteria: ACMG Guidelines, 2015. Collection method: clinical testing. Allele origin: paternal. Affected: yes.
Comment: This variant was determined to be of uncertain significance according to ACMG Guidelines, 2015 [PMID:25741868].

NM_005027.4(PIK3R2):c.29G>A (p.Arg10His)

Gene: PIK3R2 (phosphoinositide-3-kinase regulatory subunit 2; plus strand). Cytogenetic location: 19p13.11.
Variant type: single nucleotide variant.
Coding change: c.29G>A on transcript NM_005027.4 (MANE Select); coding-DNA position 29, G replaced by A.
Protein change: p.Arg10His; replaces arginine 10 with histidine.
Molecular consequence: missense variant. On other transcripts: non-coding transcript variant (2).
Genome position (GRCh38, 1-based): chr19:18,155,908, G>A. VCF-style: chr19-18155908-G-A. GRCh37 (hg19) VCF-style: chr19-18266718-G-A.
Other names: short protein forms R10H.
Identifiers: ClinVar variation 1032968 (VCV001032968.2), dbSNP rs1371555508, ClinGen allele CA404799897.